The following is an entry in ClinVar:

NM_001042492.3(NF1):c.884A>G (p.Asn295Ser)

Gene: NF1 (neurofibromin 1; plus strand). Cytogenetic location: 17q11.2.
Variant type: single nucleotide variant.
Coding change: c.884A>G on transcript NM_001042492.3 (MANE Select); coding-DNA position 884, A replaced by G.
Protein change: p.Asn295Ser; replaces asparagine 295 with serine.
Molecular consequence: missense variant.
Genome position (GRCh38, 1-based): chr17:31,182,661, A>G. VCF-style: chr17-31182661-A-G. GRCh37 (hg19) VCF-style: chr17-29509679-A-G.
Other names: c.884A>G, p.Asn295Ser (NM_000267.4, NM_001128147.3); short protein forms N295S.
Identifiers: ClinVar variation 484085 (VCV000484085.12), dbSNP rs1555608994, ClinGen allele CA398991296.

ClinVar aggregate classification (germline): Conflicting classifications of pathogenicity. Review status: criteria provided, conflicting classifications (1 of 4 stars). 3 submissions from 3 submitters: Uncertain significance (2); Likely benign (1). Last evaluated 2024-12-10.

Conditions:
Neurofibromatosis, type 1 (NF1). Also called: NEUROFIBROMATOSIS, TYPE I, SOMATIC; Peripheral type neurofibromatosis; Neurofibromatosis, type I; VON RECKLINGHAUSEN DISEASE. Identifiers: Orphanet 636, MedGen C0027831, MONDO:0018975, OMIM 162200. Disease mechanism: loss of function.
Cardiovascular phenotype. Identifiers: MedGen CN230736.
Hereditary cancer-predisposing syndrome. Also called: Tumor predisposition; Hereditary neoplastic syndrome; Neoplastic Syndromes, Hereditary; Hereditary Cancer Syndrome. Identifiers: Orphanet 140162, MedGen C0027672, MeSH D009386, MONDO:0015356.

Submissions (3):

Dasa
Classification: Uncertain significance. Last evaluated: 2024-12-10. Review status: criteria provided, single submitter. Criteria: DASA Assertion Criteria. Collection method: clinical testing. Allele origin: germline.
Comment: NM_001042492.3(NF1):c.884A>G (p.Asn295Ser) is a missense variant that results in the substitution of asparagine with serine. This variant is absent from population databases. Computational prediction algorithms are consistent with a benign effect. The currently available literature and clinical evidence are not sufficient to establish a definitive association between this variant and the reported condition. Therefore, this variant is classified as a variant of uncertain significance.

Labcorp Genetics (formerly Invitae), Labcorp
Classification: Uncertain significance for Neurofibromatosis, type 1. Last evaluated: 2024-04-09. Review status: criteria provided, single submitter. Criteria: Invitae Variant Classification Sherloc (09022015). Collection method: clinical testing. Allele origin: germline.
Comment: This sequence change replaces asparagine, which is neutral and polar, with serine, which is neutral and polar, at codon 295 of the NF1 protein (p.Asn295Ser). This variant is not present in population databases (gnomAD no frequency). This variant has not been reported in the literature in individuals affected with NF1-related conditions. ClinVar contains an entry for this variant (Variation ID: 484085). Advanced modeling of protein sequence and biophysical properties (such as structural, functional, and spatial information, amino acid conservation, physicochemical variation, residue mobility, and thermodynamic stability) performed at Invitae indicates that this missense variant is not expected to disrupt NF1 protein function with a negative predictive value of 95%. In summary, the available evidence is currently insufficient to determine the role of this variant in disease. Therefore, it has been classified as a Variant of Uncertain Significance.

Ambry Genetics
Classification: Likely benign for Cardiovascular phenotype; Hereditary cancer-predisposing syndrome. Last evaluated: 2016-12-14. Review status: criteria provided, single submitter. Criteria: Ambry Variant Classification Scheme 2023. Collection method: clinical testing. Allele origin: germline.